The following is an entry in ClinVar:

ClinVar aggregate classification (germline): Uncertain significance. Review status: criteria provided, multiple submitters, no conflicts (2 of 4 stars). 2 submissions from 2 submitters: Uncertain significance (2). Last evaluated 2025-08-10.

Conditions:
Distal myopathy with posterior leg and anterior hand involvement. Also called: WILLIAMS DISTAL MYOPATHY. Identifiers: Orphanet 63273, MedGen C3279722, MONDO:0013550, OMIM 614065.
Hypertrophic cardiomyopathy 26. Also called: Cardiomyopathy, familial hypertrophic, 26. Identifiers: Orphanet 75249, MedGen C4310749, MONDO:0014883, OMIM 617047.
Myofibrillar myopathy 5. Also called: Filaminopathy (type); FILAMINOPATHY, AUTOSOMAL DOMINANT. Identifiers: Orphanet 171445, MedGen C1836050, MONDO:0012289, OMIM 609524.
Cardiovascular phenotype. Identifiers: MedGen CN230736.

gnomAD v4.1: 1 of 1,614,040 alleles (0.000062%); highest among the groups gnomAD compares: African/African-American, 0.0013%; no homozygotes.

Submissions (2):

Labcorp Genetics (formerly Invitae), Labcorp
Classification: Uncertain significance for Distal myopathy with posterior leg and anterior hand involvement; Myofibrillar myopathy 5; Hypertrophic cardiomyopathy 26. Last evaluated: 2025-08-10. Review status: criteria provided, single submitter. Criteria: Invitae Variant Classification Sherloc (09022015). Collection method: clinical testing. Allele origin: germline.
Comment: This sequence change replaces phenylalanine, which is neutral and non-polar, with leucine, which is neutral and non-polar, at codon 1433 of the FLNC protein (p.Phe1433Leu). This variant is not present in population databases (gnomAD no frequency). This variant has not been reported in the literature in individuals affected with FLNC-related conditions. ClinVar contains an entry for this variant (Variation ID: 2565521). Invitae Evidence Modeling of protein sequence and biophysical properties (such as structural, functional, and spatial information, amino acid conservation, physicochemical variation, residue mobility, and thermodynamic stability) has been performed for this missense variant. However, the output from this modeling did not meet the statistical confidence thresholds required to predict the impact of this variant on FLNC protein function. In summary, the available evidence is currently insufficient to determine the role of this variant in disease. Therefore, it has been classified as a Variant of Uncertain Significance.

Ambry Genetics
Classification: Uncertain significance for Cardiovascular phenotype. Last evaluated: 2023-05-04. Review status: criteria provided, single submitter. Criteria: Ambry Variant Classification Scheme 2023. Collection method: clinical testing. Allele origin: germline.
Comment: The p.F1433L variant (also known as c.4299C>A), located in coding exon 25 of the FLNC gene, results from a C to A substitution at nucleotide position 4299. The phenylalanine at codon 1433 is replaced by leucine, an amino acid with highly similar properties. This amino acid position is conserved. In addition, this alteration is predicted to be deleterious by in silico analysis. Since supporting evidence is limited at this time, the clinical significance of this alteration remains unclear.

NM_001458.5(FLNC):c.4299C>A (p.Phe1433Leu)

Gene: FLNC (filamin C; plus strand). Cytogenetic location: 7q32.1.
Variant type: single nucleotide variant.
Coding change: c.4299C>A on transcript NM_001458.5 (MANE Select); coding-DNA position 4299, C replaced by A.
Protein change: p.Phe1433Leu; replaces phenylalanine 1433 with leucine.
Molecular consequence: missense variant.
Genome position (GRCh38, 1-based): chr7:128,847,707, C>A. VCF-style: chr7-128847707-C-A. GRCh37 (hg19) VCF-style: chr7-128487761-C-A.
Other names: c.4299C>A, p.Phe1433Leu (NM_001127487.2); short protein forms F1433L.
Identifiers: ClinVar variation 2565521 (VCV002565521.5), dbSNP rs766671322, ClinGen allele CA369201081.